The following is an entry in ClinVar:

NM_000088.4(COL1A1):c.2357C>T (p.Pro786Leu)

Gene: COL1A1 (collagen type I alpha 1 chain; minus strand). Cytogenetic location: 17q21.33.
Variant type: single nucleotide variant.
Coding change: c.2357C>T on transcript NM_000088.4 (MANE Select); coding-DNA position 2357, C replaced by T.
Protein change: p.Pro786Leu; replaces proline 786 with leucine.
Molecular consequence: missense variant.
Genome position (GRCh38, 1-based): chr17:50,190,583, G>A on the plus strand (C>T on the coding strand, the complement: COL1A1 is on the minus strand). VCF-style: chr17-50190583-G-A. GRCh37 (hg19) VCF-style: chr17-48267944-G-A.
Other names: short protein forms P786L.
Identifiers: ClinVar variation 963207 (VCV000963207.10), dbSNP rs756537765, ClinGen allele CA8644847.

ClinVar aggregate classification (germline): Uncertain significance (1 of 4 stars; one submission).

Conditions:
Osteogenesis imperfecta type I (OI1). Also called: Lobstein's Disease; OI, TYPE I; OSTEOGENESIS IMPERFECTA TARDA; OSTEOGENESIS IMPERFECTA WITH BLUE SCLERAE; Lobstein disease; Osteogenesis imperfecta type 1. Identifiers: Orphanet 216796, Orphanet 666, MedGen C0023931, MONDO:0008146, OMIM 166200. Disease mechanism: loss of function.

Allele frequency attached by ClinVar (database versions not stated): gnomAD exomes below 0.00001 and 0.00001; ExAC 0.00001; gnomAD 0.00001.
gnomAD v4.1: 8 of 1,613,148 alleles (0.0005%); highest among the groups gnomAD compares: Non-Finnish European, 0.00068%; no homozygotes.

Submission:

Labcorp Genetics (formerly Invitae), Labcorp
Classification: Uncertain significance for Osteogenesis imperfecta type I. Last evaluated: 2019-09-30. Review status: criteria provided, single submitter. Criteria: Invitae Variant Classification Sherloc (09022015). Collection method: clinical testing. Allele origin: germline.
Comment: Algorithms developed to predict the effect of missense changes on protein structure and function are either unavailable or do not agree on the potential impact of this missense change (SIFT: "Deleterious"; PolyPhen-2: "Benign"; Align-GVGD: "Class C35"). In summary, the available evidence is currently insufficient to determine the role of this variant in disease. Therefore, it has been classified as a Variant of Uncertain Significance. This variant has not been reported in the literature in individuals with COL1A1-related conditions. This variant is present in population databases (rs756537765, ExAC 0.002%). This sequence change replaces proline with leucine at codon 786 of the COL1A1 protein (p.Pro786Leu). The proline residue is highly conserved and there is a moderate physicochemical difference between proline and leucine.